The following is an entry in ClinVar:

ClinVar aggregate classification (germline): Benign. Review status: criteria provided, multiple submitters, no conflicts (2 of 4 stars). 9 submissions from 9 submitters: Benign (9). Last evaluated 2026-09-21.

Conditions:
Catecholaminergic polymorphic ventricular tachycardia 5 (CARDAR). Also called: Ventricular tachycardia, catecholaminergic polymorphic, 5, with or without muscle weakness; CARDIAC ARRHYTHMIA SYNDROME, WITH OR WITHOUT SKELETAL MUSCLE WEAKNESS. Identifiers: Orphanet 3286, MedGen C3809536, MONDO:0014191, OMIM 615441.
Catecholaminergic polymorphic ventricular tachycardia 1. Also called: VENTRICULAR TACHYCARDIA, CATECHOLAMINERGIC POLYMORPHIC, 1, WITH OR WITHOUT ATRIAL DYSFUNCTION AND/OR DILATED CARDIOMYOPATHY; RYR2-Related Catecholaminergic Polymorphic Ventricular Tachycardia; VENTRICULAR TACHYCARDIA, STRESS-INDUCED POLYMORPHIC 1. Identifiers: Orphanet 3286, MedGen C1631597, MONDO:0011484, OMIM 604772.

Allele frequency attached by ClinVar (database versions not stated): TOPMed 0.17420; ExAC 0.27490; ESP Exome Variant Server 0.12349; gnomAD exomes 0.24875; 1000 Genomes Project 0.29373; 1000 Genomes Project 30x 0.28154; gnomAD 0.16989 and 0.18547.
gnomAD v4.1: 250,290 of 1,409,608 alleles (18%); highest among the groups gnomAD compares: East Asian, 65%; 30,454 homozygotes.

Submissions (12):

Molecular Diagnostic Laboratory for Inherited Cardiovascular Disease, Montreal Heart Institute
Classification: Benign. Last evaluated: 2026-09-21. Review status: criteria provided, single submitter. Criteria: ACMG Guidelines, 2015. Collection method: clinical testing. Allele origin: germline. Affected: no.
Comment: BA1

Labcorp Genetics (formerly Invitae), Labcorp
Classification: Benign for Catecholaminergic polymorphic ventricular tachycardia 1. Last evaluated: 2026-02-04. Review status: criteria provided, single submitter. Criteria: Invitae Variant Classification Sherloc (09022015). Collection method: clinical testing. Allele origin: germline.

Blueprint Genetics
Classification: Benign. Last evaluated: 2024-11-26. Review status: criteria provided, single submitter. Criteria: ACMG Guidelines, 2015. Collection method: clinical testing. Allele origin: germline.

Women's Health and Genetics/Laboratory Corporation of America, LabCorp
Classification: Benign. Last evaluated: 2023-04-09. Review status: criteria provided, single submitter. Criteria: LabCorp Variant Classification Summary - May 2015. Collection method: clinical testing. Allele origin: germline.

Genome-Nilou Lab
Classification: Benign for Catecholaminergic polymorphic ventricular tachycardia 5. Last evaluated: 2021-09-10. Review status: criteria provided, single submitter. Criteria: ACMG Guidelines, 2015. Collection method: clinical testing. Allele origin: germline. Affected: no.

Eurofins Ntd Llc (ga)
Classification: Benign. Last evaluated: 2016-10-14. Review status: criteria provided, single submitter. Criteria: EGL Classification Definitions 2015. Collection method: clinical testing. Allele origin: germline. Observed: 1 variant allele, 1 heterozygote.

GeneDx
Classification: Benign. Last evaluated: 2016-09-22. Review status: criteria provided, single submitter. Criteria: GeneDx Variant Classification (06012015). Collection method: clinical testing. Allele origin: germline. Affected: yes.
Comment: This variant is considered likely benign or benign based on one or more of the following criteria: it is a conservative change, it occurs at a poorly conserved position in the protein, it is predicted to be benign by multiple in silico algorithms, and/or has population frequency not consistent with disease.

Laboratory for Molecular Medicine, Mass General Brigham Personalized Medicine
Classification: Benign. Last evaluated: 2014-11-24. Review status: criteria provided, single submitter. Criteria: LMM Criteria. Collection method: clinical testing. Allele origin: germline. Observed: 195 variant alleles.
Comment: 1370-11C>A in intron 21 of TRDN: This variant is not expected to have clinical s ignificance because it has been identified in 15.0% (794/5284) of European Ameri can chromosomes from a broad population by the NHLBI Exome Sequencing Project (dbSNP rs9401658).

PreventionGenetics, part of Exact Sciences
Classification: Benign. Review status: criteria provided, single submitter. Criteria: ACMG Guidelines, 2015. Collection method: clinical testing. Allele origin: germline.

Dr. Peter K. Rogan Lab, Western University
No classification provided (evidence only). Condition: Cholangiocarcinoma. Review status: no classification provided. Collection method: in vitro. Allele origin: not applicable. Functional consequence: retained intron. Not counted in ClinVar's aggregate classification.

Dr. Peter K. Rogan Lab, Western University
No classification provided (evidence only). Condition: Cholangiocarcinoma. Review status: no classification provided. Collection method: in vitro. Allele origin: not applicable. Functional consequence: retained intron. Not counted in ClinVar's aggregate classification.

Dr. Peter K. Rogan Lab, Western University
No classification provided (evidence only). Condition: Ovarian cancer. Review status: no classification provided. Collection method: in vitro. Allele origin: not applicable. Functional consequence: skipped exon. Not counted in ClinVar's aggregate classification.

NM_006073.4(TRDN):c.1370-11C>A

Gene: TRDN (triadin; minus strand). Cytogenetic location: 6q22.31.
Variant type: single nucleotide variant.
Coding change: c.1370-11C>A on transcript NM_006073.4 (MANE Select); 11 bases into the intron before coding-DNA position 1370, C replaced by A.
Molecular consequence: intron variant.
Genome position (GRCh38, 1-based): chr6:123,337,680, G>T on the plus strand (C>A on the coding strand, the complement: TRDN is on the minus strand). VCF-style: chr6-123337680-G-T. GRCh37 (hg19) VCF-style: chr6-123658825-G-T.
Identifiers: ClinVar variation 227111 (VCV000227111.26), dbSNP rs9401658, ClinGen allele CA3983965.